The following is an entry in ClinVar:

ClinVar aggregate classification (germline): Uncertain significance (1 of 4 stars; one submission).

Conditions:
Carnitine palmitoyltransferase II deficiency. Also called: Carnitine Palmitoyltransferase 2 Deficiency. Identifiers: Orphanet 157, MedGen C0342790, MONDO:0015515.

Allele frequency attached by ClinVar (database versions not stated): gnomAD exomes below 0.00001.
gnomAD v4.1: 2 of 1,614,146 alleles (0.00012%); highest among the groups gnomAD compares: African/African-American, 0.0013%; no homozygotes.

Submission:

Labcorp Genetics (formerly Invitae), Labcorp
Classification: Uncertain significance for Carnitine palmitoyltransferase II deficiency. Last evaluated: 2021-09-09. Review status: criteria provided, single submitter. Criteria: Invitae Variant Classification Sherloc (09022015). Collection method: clinical testing. Allele origin: germline.
Comment: This sequence change replaces glycine with serine at codon 375 of the CPT2 protein (p.Gly375Ser). The glycine residue is highly conserved and there is a small physicochemical difference between glycine and serine. This variant is not present in population databases (ExAC no frequency). This variant has not been reported in the literature in individuals affected with CPT2-related conditions. Advanced modeling of protein sequence and biophysical properties (such as structural, functional, and spatial information, amino acid conservation, physicochemical variation, residue mobility, and thermodynamic stability) performed at Invitae indicates that this missense variant is not expected to disrupt CPT2 protein function. In summary, the available evidence is currently insufficient to determine the role of this variant in disease. Therefore, it has been classified as a Variant of Uncertain Significance.

NM_000098.3(CPT2):c.1123G>A (p.Gly375Ser)

Gene: CPT2 (carnitine palmitoyltransferase 2; plus strand). Cytogenetic location: 1p32.3.
Variant type: single nucleotide variant.
Coding change: c.1123G>A on transcript NM_000098.3 (MANE Select); coding-DNA position 1123, G replaced by A.
Protein change: p.Gly375Ser; replaces glycine 375 with serine.
Molecular consequence: missense variant.
Genome position (GRCh38, 1-based): chr1:53,210,797, G>A. VCF-style: chr1-53210797-G-A. GRCh37 (hg19) VCF-style: chr1-53676469-G-A.
Other names: c.1123G>A, p.Gly375Ser (NM_001330589.2); short protein forms G375S.
Identifiers: ClinVar variation 1419268 (VCV001419268.3), dbSNP rs1645420382, ClinGen allele CA340394566.